The following is an entry in ClinVar:

ClinVar aggregate classification (germline): Benign/Likely benign. Review status: criteria provided, multiple submitters, no conflicts (2 of 4 stars). 2 submissions from 2 submitters: Benign (1); Likely benign (1). Last evaluated 2025-01-13.

Conditions:
Hereditary cancer-predisposing syndrome. Also called: Neoplastic Syndromes, Hereditary; Tumor predisposition; Hereditary Cancer Syndrome; Hereditary neoplastic syndrome. Identifiers: Orphanet 140162, MedGen C0027672, MeSH D009386, MONDO:0015356.
Familial cancer of breast. Also called: BREAST CANCER, FAMILIAL; Hereditary breast cancer; hereditary breast carcinoma. Identifiers: Orphanet 227535, MedGen C0346153, MONDO:0016419, OMIM 114480. Disease mechanism: loss of function.

Submissions (2):

Myriad Genetics, Inc.
Classification: Benign for Familial cancer of breast. Last evaluated: 2025-01-13. Review status: criteria provided, single submitter. Criteria: Myriad Autosomal Dominant, Autosomal Recessive and X-Linked Classification Criteria (2023). Collection method: clinical testing. Allele origin: unknown.
Comment: This variant is considered benign. This variant is a silent/synonymous amino acid change and it is not expected to impact splicing.

Ambry Genetics
Classification: Likely benign for Hereditary cancer-predisposing syndrome. Last evaluated: 2024-11-08. Review status: criteria provided, single submitter. Criteria: Ambry Variant Classification Scheme 2023. Collection method: clinical testing. Allele origin: germline.

NM_024675.4(PALB2):c.1509A>G (p.Ala503=)

Gene: PALB2 (partner and localizer of BRCA2; minus strand). Cytogenetic location: 16p12.2.
Variant type: single nucleotide variant.
Coding change: c.1509A>G on transcript NM_024675.4 (MANE Select); coding-DNA position 1509, A replaced by G.
Protein change: p.Ala503=; no amino-acid change (alanine 503 retained).
Molecular consequence: synonymous variant. On other transcripts: intron variant (3).
Genome position (GRCh38, 1-based): chr16:23,635,037, T>C on the plus strand (A>G on the coding strand, the complement: PALB2 is on the minus strand). VCF-style: chr16-23635037-T-C. GRCh37 (hg19) VCF-style: chr16-23646358-T-C.
Other names: c.1449A>G, p.Ala483= (NM_001407296.1); c.1509A>G, p.Ala503= (NM_001407297.1, NM_001407298.1, NM_001407299.1 and 3 more transcripts); c.624A>G, p.Ala208= (NM_001407304.1, NM_001407305.1, NM_001407306.1 and 5 more transcripts); c.49-5762A>G (NM_001407314.1); c.-104-4568A>G (NM_001407313.1, NM_001407312.1).
Identifiers: ClinVar variation 3413493 (VCV003413493.2).
Genomic context (GRCh38, chr16:23,635,037, plus strand): 5'-TGCTGGGGTGCAGGCTGATTTTCTTTTTCCTGTGTATCTTCTACCAGGTGCTTGGGCAAC[T>C]GCCTTCCTAGACAAGTCATTATCTTCAGTGGGCCCAGCGGGAGAGCTGACTTTAGTTAAT-3'
Protein context (NP_078951.2, residues 493-513): PTEDNDLSRK[Ala503=]VAQAPGRRYT